The following is an entry in ClinVar:

ClinVar aggregate classification (germline): Conflicting classifications of pathogenicity. Review status: criteria provided, conflicting classifications (1 of 4 stars). 2 submissions from 2 submitters: Likely pathogenic (1); Uncertain significance (1). Last evaluated 2025-06-23.

Allele frequency attached by ClinVar (database versions not stated): gnomAD exomes below 0.00001; TOPMed below 0.00001; gnomAD 0.00001; ExAC 0.00003; 1000 Genomes Project 30x 0.00016; 1000 Genomes Project 0.00020.
gnomAD v4.1: 7 of 1,614,180 alleles (0.00043%); highest among the groups gnomAD compares: East Asian, 0.013%; no homozygotes.

Submissions (2):

Women's Health and Genetics/Laboratory Corporation of America, LabCorp
Classification: Uncertain significance. Last evaluated: 2025-06-23. Review status: criteria provided, single submitter. Criteria: LabCorp Variant Classification Summary - May 2015. Collection method: clinical testing. Allele origin: germline.
Comment: Variant summary: ABCA4 c.2792T>C (p.Val931Ala) results in a non-conservative amino acid change in the encoded protein sequence. Algorithms developed to predict the effect of missense changes on protein structure and function all suggest that this variant is likely to be disruptive. The variant allele was found at a frequency of 2.8e-05 in 251406 control chromosomes. The available data on variant occurrences in the general population are insufficient to allow any conclusion about variant significance. To our knowledge, no occurrence of c.2792T>C in individuals affected with ABCA4-related conditions and no experimental evidence demonstrating its impact on protein function have been reported. ClinVar contains an entry for this variant (Variation ID: 2777907). Based on the evidence outlined above, the variant was classified as uncertain significance.

Labcorp Genetics (formerly Invitae), Labcorp
Classification: Likely pathogenic. Last evaluated: 2024-10-29. Review status: criteria provided, single submitter. Criteria: Invitae Variant Classification Sherloc (09022015). Collection method: clinical testing. Allele origin: germline.
Comment: This sequence change replaces valine, which is neutral and non-polar, with alanine, which is neutral and non-polar, at codon 931 of the ABCA4 protein (p.Val931Ala). This variant is present in population databases (rs573904763, gnomAD 0.03%). This variant has not been reported in the literature in individuals affected with ABCA4-related conditions. Invitae Evidence Modeling of protein sequence and biophysical properties (such as structural, functional, and spatial information, amino acid conservation, physicochemical variation, residue mobility, and thermodynamic stability) indicates that this missense variant is expected to disrupt ABCA4 protein function with a positive predictive value of 95%. This variant disrupts the p.Val931 amino acid residue in ABCA4. Other variant(s) that disrupt this residue have been determined to be pathogenic (PMID: 11527935, 19074458, 29925512; internal data). This suggests that this residue is clinically significant, and that variants that disrupt this residue are likely to be disease-causing. In summary, the currently available evidence indicates that the variant is pathogenic, but additional data are needed to prove that conclusively. Therefore, this variant has been classified as Likely Pathogenic.

Literature cited by the submitters: PubMed 11527935 (cited by Labcorp Genetics (formerly Invitae), Labcorp); PubMed 19074458 (cited by Labcorp Genetics (formerly Invitae), Labcorp); PubMed 29925512 (cited by Labcorp Genetics (formerly Invitae), Labcorp).

NM_000350.3(ABCA4):c.2792T>C (p.Val931Ala)

Gene: ABCA4 (ATP binding cassette subfamily A member 4; minus strand). Cytogenetic location: 1p22.1.
Variant type: single nucleotide variant.
Coding change: c.2792T>C on transcript NM_000350.3 (MANE Select); coding-DNA position 2792, T replaced by C.
Protein change: p.Val931Ala; replaces valine 931 with alanine.
Molecular consequence: missense variant.
Genome position (GRCh38, 1-based): chr1:94,047,045, A>G on the plus strand (T>C on the coding strand, the complement: ABCA4 is on the minus strand). VCF-style: chr1-94047045-A-G. GRCh37 (hg19) VCF-style: chr1-94512601-A-G.
Other names: c.2570T>C, p.Val857Ala (NM_001425324.1); short protein forms V857A, V931A.
Identifiers: ClinVar variation 2777907 (VCV002777907.4), dbSNP rs573904763, ClinGen allele CA958152.